The following is an entry in ClinVar:

NM_001128228.3(TPRN):c.1138G>T (p.Ala380Ser)

Gene: TPRN (taperin; minus strand). Cytogenetic location: 9q34.3.
Variant type: single nucleotide variant.
Coding change: c.1138G>T on transcript NM_001128228.3 (MANE Select); coding-DNA position 1138, G replaced by T.
Protein change: p.Ala380Ser; replaces alanine 380 with serine.
Molecular consequence: missense variant.
Genome position (GRCh38, 1-based): chr9:137,199,574, C>A on the plus strand (G>T on the coding strand, the complement: TPRN is on the minus strand). VCF-style: chr9-137199574-C-A. GRCh37 (hg19) VCF-style: chr9-140094026-C-A.
Other names: short protein forms A380S.
Identifiers: ClinVar variation 193180 (VCV000193180.15), dbSNP rs190167940, ClinGen allele CA200384.
Genomic context (GRCh38, chr9:137,199,574, plus strand): 5'-GACAGGCCCCCTCCTCGACTGCCCACTGTGCCTCGACCTCCAGGGGGCTCTTCCCGAGGG[C>A]AGGCGCACCATCCCCTCCAGGCACCGGCTGGGATCCGAGCTCCTGGCTCGGGGAGGCCGG-3'
Protein context (NP_001121700.2, residues 370-390): QPVPGGDGAP[Ala380Ser]LGKSPLEVEA

ClinVar aggregate classification (germline): Benign/Likely benign. Review status: criteria provided, multiple submitters, no conflicts (2 of 4 stars). 5 submissions from 5 submitters: Benign (4); Likely benign (1). Last evaluated 2026-01-27.

Allele frequency attached by ClinVar (database versions not stated): gnomAD exomes 0.00111 and 0.00247; ESP Exome Variant Server 0.00978; 1000 Genomes Project 0.01058; gnomAD 0.01151 and 0.01244; 1000 Genomes Project 30x 0.01187; TOPMed 0.01231.
gnomAD v4.1: 3,395 of 1,556,068 alleles (0.22%); highest among the groups gnomAD compares: African/African-American, 4%; 55 homozygotes.

Submissions (5):

Labcorp Genetics (formerly Invitae), Labcorp
Classification: Benign. Last evaluated: 2026-01-27. Review status: criteria provided, single submitter. Criteria: Invitae Variant Classification Sherloc (09022015). Collection method: clinical testing. Allele origin: germline.

Blueprint Genetics
Classification: Likely benign. Last evaluated: 2024-11-27. Review status: criteria provided, single submitter. Criteria: ACMG Guidelines, 2015. Collection method: clinical testing. Allele origin: germline.

GeneDx
Classification: Benign. Last evaluated: 2018-03-12. Review status: criteria provided, single submitter. Criteria: GeneDx Variant Classification (06012015). Collection method: clinical testing. Allele origin: germline. Affected: yes.
Comment: This variant is considered likely benign or benign based on one or more of the following criteria: it is a conservative change, it occurs at a poorly conserved position in the protein, it is predicted to be benign by multiple in silico algorithms, and/or has population frequency not consistent with disease.

Eurofins Ntd Llc (ga)
Classification: Benign. Last evaluated: 2015-01-27. Review status: criteria provided, single submitter. Criteria: EGL Classification Definitions 2015. Collection method: clinical testing. Allele origin: germline. Observed: 1 variant allele, 1 heterozygote.

Breakthrough Genomics
Classification: Benign. Review status: criteria provided, single submitter. Criteria: ACMG Guidelines, 2015. Collection method: not provided. Allele origin: germline. Inheritance: Autosomal recessive inheritance. Affected: yes.